The following is an entry in ClinVar:

NM_000487.6(ARSA):c.40G>A (p.Ala14Thr)

Gene: ARSA (arylsulfatase A; minus strand). Cytogenetic location: 22q13.33.
Variant type: single nucleotide variant.
Coding change: c.40G>A on transcript NM_000487.6 (MANE Select); coding-DNA position 40, G replaced by A.
Protein change: p.Ala14Thr; replaces alanine 14 with threonine.
Molecular consequence: missense variant. On other transcripts: intron variant (2).
Genome position (GRCh38, 1-based): chr22:50,627,740, C>T on the plus strand (G>A on the coding strand, the complement: ARSA is on the minus strand). VCF-style: chr22-50627740-C-T. GRCh37 (hg19) VCF-style: chr22-51066168-C-T.
Other names: c.40G>A, p.Ala14Thr (NM_001085425.3, NM_001085426.3, NM_001085427.3); c.-35+251G>A (NM_001362782.2); c.-35+206G>A (NM_001085428.3); short protein forms A14T.
Identifiers: ClinVar variation 978490 (VCV000978490.18), dbSNP rs145157196, ClinGen allele CA10325123.

ClinVar aggregate classification (germline): Likely benign. Review status: criteria provided, single submitter (1 of 4 stars). 3 submissions from 3 submitters: Likely benign (1). 2 of the submissions do not count toward it. Last evaluated 2026-01-28.

Conditions:
Metachromatic leukodystrophy (MLD). Also called: ARSA DEFICIENCY; CEREBROSIDE SULFATASE DEFICIENCY; Cerebral sclerosis diffuse metachromatic form; SULFATIDE LIPIDOSIS; Arylsulfatase A Deficiency; METACHROMATIC LEUKOENCEPHALOPATHY. Identifiers: Orphanet 512, MedGen C0023522, MONDO:0018868, OMIM 250100.
ARSA-related disorder. Also called: ARSA-related condition.

Allele frequency attached by ClinVar (database versions not stated): gnomAD exomes 0.00040; ExAC 0.00075; 1000 Genomes Project 0.00100; 1000 Genomes Project 30x 0.00109; TOPMed 0.00143; ESP Exome Variant Server 0.00150.
gnomAD v4.1: 430 of 1,551,098 alleles (0.028%); highest among the groups gnomAD compares: African/African-American, 0.53%; 2 homozygotes.

Submissions (3):

Labcorp Genetics (formerly Invitae), Labcorp
Classification: Likely benign for Metachromatic leukodystrophy. Last evaluated: 2026-01-28. Review status: criteria provided, single submitter. Criteria: Invitae Variant Classification Sherloc (09022015). Collection method: clinical testing. Allele origin: germline.

PreventionGenetics, part of Exact Sciences
Classification: Likely benign for ARSA-related condition. Last evaluated: 2021-12-15. Review status: no assertion criteria provided. Collection method: clinical testing. Allele origin: germline. Not counted in ClinVar's aggregate classification.
Comment: This variant is classified as likely benign based on ACMG/AMP sequence variant interpretation guidelines (Richards et al. 2015 PMID: 25741868, with internal and published modifications).

Natera, Inc.
Classification: Likely benign for Metachromatic leukodystrophy. Last evaluated: 2019-11-22. Review status: no assertion criteria provided. Collection method: clinical testing. Allele origin: germline. Not counted in ClinVar's aggregate classification.